The following is an entry in ClinVar:

ClinVar aggregate classification (germline): Uncertain significance (1 of 4 stars; one submission).

Allele frequency attached by ClinVar (database versions not stated): gnomAD exomes below 0.00001.
gnomAD v4.1: 2 of 1,614,170 alleles (0.00012%); highest among the groups gnomAD compares: Non-Finnish European, 0.00017%; no homozygotes.

Submission:

Labcorp Genetics (formerly Invitae), Labcorp
Classification: Uncertain significance. Last evaluated: 2022-09-21. Review status: criteria provided, single submitter. Criteria: Invitae Variant Classification Sherloc (09022015). Collection method: clinical testing. Allele origin: germline.
Comment: This variant is not present in population databases (gnomAD no frequency). This sequence change replaces isoleucine, which is neutral and non-polar, with threonine, which is neutral and polar, at codon 73 of the TNFAIP3 protein (p.Ile73Thr). This variant has not been reported in the literature in individuals affected with TNFAIP3-related conditions. In summary, the available evidence is currently insufficient to determine the role of this variant in disease. Therefore, it has been classified as a Variant of Uncertain Significance. Advanced modeling of protein sequence and biophysical properties (such as structural, functional, and spatial information, amino acid conservation, physicochemical variation, residue mobility, and thermodynamic stability) performed at Invitae indicates that this missense variant is not expected to disrupt TNFAIP3 protein function.

NM_001270508.2(TNFAIP3):c.218T>C (p.Ile73Thr)

Gene: TNFAIP3 (TNF alpha induced protein 3; plus strand). Cytogenetic location: 6q23.3.
Variant type: single nucleotide variant.
Coding change: c.218T>C on transcript NM_001270508.2 (MANE Select); coding-DNA position 218, T replaced by C.
Protein change: p.Ile73Thr; replaces isoleucine 73 with threonine.
Molecular consequence: missense variant.
Genome position (GRCh38, 1-based): chr6:137,871,445, T>C. VCF-style: chr6-137871445-T-C. GRCh37 (hg19) VCF-style: chr6-138192582-T-C.
Other names: c.218T>C, p.Ile73Thr (NM_001270507.2, NM_006290.4); short protein forms I73T.
Identifiers: ClinVar variation 1717431 (VCV001717431.5), dbSNP rs2482709603, ClinGen allele CA365780654.
Genomic context (GRCh38, chr6:137,871,445, plus strand): 5'-CTTGCCAGTTTTGTCCTCAGTTTCGGGAGATCATCCACAAAGCCCTCATCGACAGAAACA[T>C]CCAGGCCACCCTGGAAAGCCAGAAGAAACTCAACTGGTGTCGAGAAGTCCGGAAGCTTGT-3'
Protein context (NP_001257437.1, residues 63-83): IIHKALIDRN[Ile73Thr]QATLESQKKL